The following is an entry in ClinVar:

ClinVar aggregate classification (germline): Uncertain significance. Review status: criteria provided, multiple submitters, no conflicts (2 of 4 stars). 2 submissions from 2 submitters: Uncertain significance (2). Last evaluated 2024-06-17.

Conditions:
Cranioectodermal dysplasia 2 (CED2). Identifiers: Orphanet 1515, MedGen C3150874, MONDO:0013323, OMIM 613610.
Short-rib thoracic dysplasia 7 with or without polydactyly (SRTD7). Also called: Short rib polydactyly syndrome 5; SHORT-RIB THORACIC DYSPLASIA 7 WITH POLYDACTYLY. Identifiers: Orphanet 498497, Orphanet 93271, MedGen C3279792, MONDO:0013569, OMIM 614091.

Allele frequency attached by ClinVar (database versions not stated): gnomAD exomes below 0.00001; gnomAD 0.00001; TOPMed 0.00002.
gnomAD v4.1: 22 of 1,613,640 alleles (0.0014%); highest among the groups gnomAD compares: Middle Eastern, 0.016%; no homozygotes.

Submissions (2):

Fulgent Genetics
Classification: Uncertain significance for Cranioectodermal dysplasia 2; Short-rib thoracic dysplasia 7 with or without polydactyly. Last evaluated: 2024-06-17. Review status: criteria provided, single submitter. Criteria: ACMG Guidelines, 2015. Collection method: clinical testing. Allele origin: germline.

Labcorp Genetics (formerly Invitae), Labcorp
Classification: Uncertain significance for Cranioectodermal dysplasia 2; Short-rib thoracic dysplasia 7 with or without polydactyly. Last evaluated: 2023-05-08. Review status: criteria provided, single submitter. Criteria: Invitae Variant Classification Sherloc (09022015). Collection method: clinical testing. Allele origin: germline.
Comment: This sequence change replaces threonine, which is neutral and polar, with methionine, which is neutral and non-polar, at codon 363 of the WDR35 protein (p.Thr363Met). This variant is present in population databases (rs200341288, gnomAD 0.004%). This variant has not been reported in the literature in individuals affected with WDR35-related conditions. ClinVar contains an entry for this variant (Variation ID: 1519658). Advanced modeling of protein sequence and biophysical properties (such as structural, functional, and spatial information, amino acid conservation, physicochemical variation, residue mobility, and thermodynamic stability) performed at Invitae indicates that this missense variant is expected to disrupt WDR35 protein function. In summary, the available evidence is currently insufficient to determine the role of this variant in disease. Therefore, it has been classified as a Variant of Uncertain Significance.

NM_020779.4(WDR35):c.1088C>T (p.Thr363Met)

Gene: WDR35 (WD repeat domain 35; minus strand). Cytogenetic location: 2p24.1.
Variant type: single nucleotide variant.
Coding change: c.1088C>T on transcript NM_020779.4 (MANE Select); coding-DNA position 1088, C replaced by T.
Protein change: p.Thr363Met; replaces threonine 363 with methionine.
Molecular consequence: missense variant.
Genome position (GRCh38, 1-based): chr2:19,966,830, G>A on the plus strand (C>T on the coding strand, the complement: WDR35 is on the minus strand). VCF-style: chr2-19966830-G-A. GRCh37 (hg19) VCF-style: chr2-20166591-G-A.
Other names: c.1088C>T, p.Thr363Met (NM_001006657.2); short protein forms T363M.
Identifiers: ClinVar variation 1519658 (VCV001519658.9), dbSNP rs200341288, ClinGen allele CA43420648.